The following is an entry in ClinVar:

NM_001987.5(ETV6):c.407C>T (p.Pro136Leu)

Gene: ETV6 (ETS variant transcription factor 6; plus strand). Cytogenetic location: 12p13.2.
Variant type: single nucleotide variant.
Coding change: c.407C>T on transcript NM_001987.5 (MANE Select); coding-DNA position 407, C replaced by T.
Protein change: p.Pro136Leu; replaces proline 136 with leucine.
Molecular consequence: missense variant.
Genome position (GRCh38, 1-based): chr12:11,853,505, C>T. VCF-style: chr12-11853505-C-T. GRCh37 (hg19) VCF-style: chr12-12006439-C-T.
Other names: c.404C>T, p.Pro135Leu (NM_001413913.1); c.380C>T, p.Pro127Leu (NM_001413914.1); c.143C>T, p.Pro48Leu (NM_001413915.1); c.407C>T, p.Pro136Leu (NM_001413916.1, NM_001413917.1); short protein forms P127L, P135L, P136L, P48L.
Identifiers: ClinVar variation 2726417 (VCV002726417.4), dbSNP rs1946587509, ClinGen allele CA384043137.

ClinVar aggregate classification (germline): Uncertain significance. Review status: criteria provided, multiple submitters, no conflicts (2 of 4 stars). 2 submissions from 2 submitters: Uncertain significance (2). Last evaluated 2025-12-23.

Conditions:
Inborn genetic diseases. Identifiers: MedGen C0950123, MeSH D030342.

Allele frequency attached by ClinVar (database versions not stated): TOPMed below 0.00001; gnomAD exomes below 0.00001.
gnomAD v4.1: 1 of 1,614,228 alleles (0.000062%); highest among the groups gnomAD compares: Non-Finnish European, 0.000085%; no homozygotes.

Submissions (2):

Ambry Genetics
Classification: Uncertain significance for Inborn genetic diseases. Last evaluated: 2025-12-23. Review status: criteria provided, single submitter. Criteria: Ambry Variant Classification Scheme 2023. Collection method: clinical testing. Allele origin: germline.
Comment: The p.P136L variant (also known as c.407C>T), located in coding exon 4 of the ETV6 gene, results from a C to T substitution at nucleotide position 407. The proline at codon 136 is replaced by leucine, an amino acid with similar properties. This amino acid position is highly conserved in available vertebrate species. In addition, this alteration is predicted to be tolerated by in silico analysis. Based on the available evidence, the clinical significance of this variant remains unclear.

Labcorp Genetics (formerly Invitae), Labcorp
Classification: Uncertain significance. Last evaluated: 2024-10-23. Review status: criteria provided, single submitter. Criteria: Invitae Variant Classification Sherloc (09022015). Collection method: clinical testing. Allele origin: germline.
Comment: This sequence change replaces proline, which is neutral and non-polar, with leucine, which is neutral and non-polar, at codon 136 of the ETV6 protein (p.Pro136Leu). This variant is not present in population databases (gnomAD no frequency). This variant has not been reported in the literature in individuals affected with ETV6-related conditions. Invitae Evidence Modeling of protein sequence and biophysical properties (such as structural, functional, and spatial information, amino acid conservation, physicochemical variation, residue mobility, and thermodynamic stability) indicates that this missense variant is not expected to disrupt ETV6 protein function with a negative predictive value of 80%. In summary, the available evidence is currently insufficient to determine the role of this variant in disease. Therefore, it has been classified as a Variant of Uncertain Significance.